The following is an entry in ClinVar:

ClinVar aggregate classification (germline): Uncertain significance (1 of 4 stars; one submission).

Conditions:
Familial adenomatous polyposis 1 (FAP1). Also called: FAMILIAL ADENOMATOUS POLYPOSIS 1, ATTENUATED; POLYPOSIS, ADENOMATOUS INTESTINAL. Identifiers: MedGen C2713442, MONDO:0021056, OMIM 175100. Disease mechanism: loss of function.

Submission:

Labcorp Genetics (formerly Invitae), Labcorp
Classification: Uncertain significance for Familial adenomatous polyposis 1. Last evaluated: 2016-08-24. Review status: criteria provided, single submitter. Criteria: Invitae Variant Classification Sherloc (09022015). Collection method: clinical testing. Allele origin: germline.
Comment: This variant is not present in population databases (ExAC no frequency) and has not been reported in the literature in individuals with a APC-related disease. This sequence change replaces alanine with glycine at codon 379 of the APC protein (p.Ala379Gly). The alanine residue is highly conserved and there is a small physicochemical difference between alanine and glycine. Algorithms developed to predict the effect of missense changes on protein structure and function (SIFT, PolyPhen-2, Align-GVGD) all suggest that this variant is likely to be tolerated, but these predictions have not been confirmed by published functional studies. In summary, this variant is a novel missense change that is not predicted to affect protein function. There is no indication that it causes disease, but the available evidence is currently insufficient to prove that conclusively. Therefore, it has been classified as a Variant of Uncertain Significance.

NM_000038.6(APC):c.1136C>G (p.Ala379Gly)

Gene: APC (APC regulator of Wnt signaling pathway; plus strand). Cytogenetic location: 5q22.2.
Variant type: single nucleotide variant.
Coding change: c.1136C>G on transcript NM_000038.6 (MANE Select); coding-DNA position 1136, C replaced by G.
Protein change: p.Ala379Gly; replaces alanine 379 with glycine.
Molecular consequence: missense variant. On other transcripts: intron variant (4).
Genome position (GRCh38, 1-based): chr5:112,819,168, C>G. VCF-style: chr5-112819168-C-G. GRCh37 (hg19) VCF-style: chr5-112154865-C-G.
Other names: c.1136C>G, p.Ala379Gly (NM_001127510.3, NM_001354895.2, NM_001354896.2); c.1082C>G, p.Ala361Gly (NM_001127511.3); c.1166C>G, p.Ala389Gly (NM_001354897.2); c.1061C>G, p.Ala354Gly (NM_001354898.2); c.1052C>G, p.Ala351Gly (NM_001354899.2); c.959C>G, p.Ala320Gly (NM_001354900.2, NM_001354901.2); c.287C>G, p.Ala96Gly (NM_001354906.2); c.964-101C>G (NM_001354902.2); and 3 more; short protein forms A361G, A379G, A320G, A354G, A96G, A351G, A389G.
Identifiers: ClinVar variation 411442 (VCV000411442.48), dbSNP rs1060503308, ClinGen allele CA16023798.
Genomic context (GRCh38, chr5:112,819,168, plus strand): 5'-TTTTACATGGCAATGACAAAGACTCTGTATTGTTGGGAAATTCCCGGGGCAGTAAAGAGG[C>G]TCGGGCCAGGGCCAGTGCAGCACTCCACAACATCATTCACTCACAGCCTGATGACAAGAG-3'
Protein context (NP_000029.2, residues 369-389): LLGNSRGSKE[Ala379Gly]RARASAALHN